The following is an entry in ClinVar:

NM_003803.4(MYOM1):c.1454G>T (p.Arg485Leu)

Gene: MYOM1 (myomesin 1; minus strand). Cytogenetic location: 18p11.31.
Variant type: single nucleotide variant.
Coding change: c.1454G>T on transcript NM_003803.4 (MANE Select); coding-DNA position 1454, G replaced by T.
Protein change: p.Arg485Leu; replaces arginine 485 with leucine.
Molecular consequence: missense variant.
Genome position (GRCh38, 1-based): chr18:3,164,325, C>A on the plus strand (G>T on the coding strand, the complement: MYOM1 is on the minus strand). VCF-style: chr18-3164325-C-A. GRCh37 (hg19) VCF-style: chr18-3164323-C-A.
Other names: c.1454G>T, p.Arg485Leu (NM_019856.2); short protein forms R485L.
Identifiers: ClinVar variation 5025289 (VCV005025289.1).

ClinVar aggregate classification (germline): Uncertain significance (1 of 4 stars; one submission).

gnomAD v4.1: 32 of 1,612,824 alleles (0.002%); highest among the groups gnomAD compares: Non-Finnish European, 0.0025%; no homozygotes.

Submission:

Ambry Genetics
Classification: Uncertain significance. Last evaluated: 2026-09-07. Review status: criteria provided, single submitter. Criteria: Ambry Variant Classification Scheme 2023. Collection method: clinical testing. Allele origin: germline.
Comment: The p.R485L variant (also known as c.1454G>T), located in coding exon 9 of the MYOM1 gene, results from a G to T substitution at nucleotide position 1454. The arginine at codon 485 is replaced by leucine, an amino acid with dissimilar properties. This amino acid position is conserved. In addition, this alteration is predicted to be tolerated by in silico analysis. Based on the available evidence, the clinical significance of this variant remains unclear.